The following is an entry in ClinVar:

ClinVar aggregate classification (germline): Pathogenic. Review status: criteria provided, single submitter (1 of 4 stars). 2 submissions from 2 submitters: Pathogenic (1). 1 of the submissions does not count toward it. Last evaluated 2021-11-30.

Conditions:
Metaphyseal chondrodysplasia, Schmid type (MCDS). Also called: SPONDYLOMETAPHYSEAL DYSPLASIA, JAPANESE TYPE. Identifiers: Orphanet 174, MedGen C0265289, MONDO:0007983, OMIM 156500.

Allele frequency attached by ClinVar (database versions not stated): gnomAD exomes below 0.00001.
gnomAD v4.1: 1 of 1,614,206 alleles (0.000062%); highest among the groups gnomAD compares: Non-Finnish European, 0.000085%; no homozygotes.

Submissions (2):

Labcorp Genetics (formerly Invitae), Labcorp
Classification: Pathogenic. Last evaluated: 2021-11-30. Review status: criteria provided, single submitter. Criteria: Invitae Variant Classification Sherloc (09022015). Collection method: clinical testing. Allele origin: germline.
Comment: This sequence change replaces glycine, which is neutral and non-polar, with glutamic acid, which is acidic and polar, at codon 595 of the COL10A1 protein (p.Gly595Glu). This variant is not present in population databases (gnomAD no frequency). This missense change has been observed in individual(s) with metaphyseal chondrodysplasia, Schmid type (PMID: 7607655). It has also been observed to segregate with disease in related individuals. ClinVar contains an entry for this variant (Variation ID: 17479). Algorithms developed to predict the effect of missense changes on protein structure and function are either unavailable or do not agree on the potential impact of this missense change (SIFT: "Deleterious"; PolyPhen-2: "Probably Damaging"; Align-GVGD: "Class C0"). This variant disrupts the p.Gly595 amino acid residue in COL10A1. Other variant(s) that disrupt this residue have been determined to be pathogenic (PMID: 10721676, 15880705, 16088909; Invitae). This suggests that this residue is clinically significant, and that variants that disrupt this residue are likely to be disease-causing. For these reasons, this variant has been classified as Pathogenic.

OMIM
Classification: Pathogenic for METAPHYSEAL CHONDRODYSPLASIA, SCHMID TYPE. Last evaluated: 1998-12-01. Review status: no assertion criteria provided. Collection method: literature only. Allele origin: germline. Not counted in ClinVar's aggregate classification.

Literature cited by the submitters: PubMed 7607655 (cited by Labcorp Genetics (formerly Invitae), Labcorp and OMIM); PubMed 10721676 (cited by Labcorp Genetics (formerly Invitae), Labcorp); PubMed 15880705 (cited by Labcorp Genetics (formerly Invitae), Labcorp); PubMed 16088909 (cited by Labcorp Genetics (formerly Invitae), Labcorp); PubMed 7936797 (cited by OMIM); PubMed 9837818 (cited by OMIM).

NM_000493.4(COL10A1):c.1784G>A (p.Gly595Glu)

Genes: NT5DC1 (5'-nucleotidase domain containing 1; plus strand), COL10A1 (collagen type X alpha 1 chain; minus strand). Cytogenetic location: 6q22.1.
Variant type: single nucleotide variant.
Coding change: c.1784G>A on transcript NM_000493.4 (MANE Select); coding-DNA position 1784, G replaced by A.
Protein change: p.Gly595Glu; replaces glycine 595 with glutamic acid.
Molecular consequence: missense variant. On other transcripts: intron variant (1).
Genome position (GRCh38, 1-based): chr6:116,120,332, C>T on the plus strand (G>A on the coding strand, the complement: COL10A1 is on the minus strand). VCF-style: chr6-116120332-C-T. GRCh37 (hg19) VCF-style: chr6-116441495-C-T.
Other names: c.1784G>A, p.Gly595Glu (NM_001424106.1, NM_001424107.1); c.529+2387C>T (NM_152729.3); short protein forms G595E.
Identifiers: ClinVar variation 17479 (VCV000017479.8), dbSNP rs111033553, ClinGen allele CA127223.
Genomic context (GRCh38, chr6:116,120,332, plus strand): 5'-TACAGGCCTACCCAAACATGAGTCCCTTTCACATGCACGTGGTATGAAAAATAGTATATT[C>T]CTGGTATCTGACAAGTAAAGATTCCAGTCCTTGGGTCATAATGCTGTTGCCTGTTATACA-3'
Protein context (NP_000484.2, residues 585-605): RTGIFTCQIP[Gly595Glu]IYYFSYHVHV